The following is an entry in ClinVar:

ClinVar aggregate classification (germline): Uncertain significance (1 of 4 stars; one submission).

Conditions:
Neurofibromatosis, type 1 (NF1). Also called: NEUROFIBROMATOSIS, TYPE I, SOMATIC; Neurofibromatosis, type I; VON RECKLINGHAUSEN DISEASE; Peripheral type neurofibromatosis. Identifiers: Orphanet 636, MedGen C0027831, MONDO:0018975, OMIM 162200. Disease mechanism: loss of function.

Submission:

Labcorp Genetics (formerly Invitae), Labcorp
Classification: Uncertain significance for Neurofibromatosis, type 1. Last evaluated: 2021-08-17. Review status: criteria provided, single submitter. Criteria: Invitae Variant Classification Sherloc (09022015). Collection method: clinical testing. Allele origin: germline.
Comment: In summary, the available evidence is currently insufficient to determine the role of this variant in disease. Therefore, it has been classified as a Variant of Uncertain Significance. Algorithms developed to predict the effect of sequence changes on RNA splicing suggest that this variant may create or strengthen a splice site. Advanced modeling of protein sequence and biophysical properties (such as structural, functional, and spatial information, amino acid conservation, physicochemical variation, residue mobility, and thermodynamic stability) performed at Invitae indicates that this missense variant is expected to disrupt NF1 protein function. This variant has not been reported in the literature in individuals affected with NF1-related conditions. This variant is not present in population databases (ExAC no frequency). This sequence change replaces lysine with threonine at codon 1680 of the NF1 protein (p.Lys1680Thr). The lysine residue is moderately conserved and there is a moderate physicochemical difference between lysine and threonine.

NM_001042492.3(NF1):c.5102A>C (p.Lys1701Thr)

Gene: NF1 (neurofibromin 1; plus strand). Cytogenetic location: 17q11.2.
Variant type: single nucleotide variant.
Coding change: c.5102A>C on transcript NM_001042492.3 (MANE Select); coding-DNA position 5102, A replaced by C.
Protein change: p.Lys1701Thr; replaces lysine 1701 with threonine.
Molecular consequence: missense variant.
Genome position (GRCh38, 1-based): chr17:31,326,086, A>C. VCF-style: chr17-31326086-A-C. GRCh37 (hg19) VCF-style: chr17-29653104-A-C.
Other names: c.5039A>C, p.Lys1680Thr (NM_000267.4); short protein forms K1680T, K1701T.
Identifiers: ClinVar variation 1484094 (VCV001484094.6), dbSNP rs1597830021, ClinGen allele CA399007590.